The following is an entry in ClinVar:

ClinVar aggregate classification (germline): Benign/Likely benign. Review status: criteria provided, multiple submitters, no conflicts (2 of 4 stars). 6 submissions from 6 submitters: Benign (4); Likely benign (1). 1 of the submissions does not count toward it. Last evaluated 2021-08-17.

Conditions:
Inborn genetic diseases. Identifiers: MedGen C0950123, MeSH D030342.
FMR1-related disorder. Also called: FMR1-related condition.
Fragile X-associated tremor/ataxia syndrome. Also called: Fragile X-Associated Tremor/Ataxia Syndrome (FXTAS). Identifiers: Orphanet 93256, MedGen C1839780, MONDO:0010382, OMIM 300623.
Premature ovarian failure 1 (POF1). Also called: FMR1-Related Primary Ovarian Insufficiency; FMR1 Primary Ovarian Insufficiency (FXPOI); Primary ovarian insufficiency, fragile X-associated; HYPERGONADOTROPIC OVARIAN FAILURE, X-LINKED; PREMATURE OVARIAN FAILURE, X-LINKED; Fragile x premature ovarian failure. Identifiers: Orphanet 642691, MedGen C4552079, MONDO:0010706, OMIM 311360.
Fragile X syndrome. Also called: Fragile X Syndrome (FXS); Fra(X) syndrome; Fragile X syndrome, type A; MARKER X SYNDROME; MARTIN-BELL SYNDROME; MENTAL RETARDATION, X-LINKED, ASSOCIATED WITH marXq28. Identifiers: Orphanet 449291, Orphanet 908, MedGen C0016667, MONDO:0010383, OMIM 300624. Disease mechanism: loss of function.

Allele frequency attached by ClinVar (database versions not stated): ExAC 0.00786; TOPMed 0.00806; gnomAD exomes 0.00819 and 0.01370; gnomAD 0.00825 and 0.00830; ESP Exome Variant Server 0.00882; 1000 Genomes Project 0.00397; 1000 Genomes Project 30x 0.00499.
gnomAD v4.1: 15,256 of 1,159,237 alleles (1.3%); highest among the groups gnomAD compares: Non-Finnish European, 1.6%; 82 homozygotes.

Submissions (6):

Fulgent Genetics
Classification: Likely benign for Fragile X-associated tremor/ataxia syndrome; Fragile X syndrome; Premature ovarian failure 1. Last evaluated: 2021-08-17. Review status: criteria provided, single submitter. Criteria: ACMG Guidelines, 2015. Collection method: clinical testing. Allele origin: unknown.

Mayo Clinic Laboratories, Mayo Clinic
Classification: Benign. Last evaluated: 2019-11-04. Review status: criteria provided, single submitter. Criteria: ACMG Guidelines, 2015. Collection method: clinical testing. Allele origin: germline. Observed: 41 variant alleles.

Eurofins Ntd Llc (ga)
Classification: Benign. Last evaluated: 2018-07-20. Review status: criteria provided, single submitter. Criteria: EGL ClinVar v180209 classification definitions. Collection method: clinical testing. Allele origin: germline. Observed: 3 variant alleles, 2 heterozygotes, 1 hemizygote.

Ambry Genetics
Classification: Benign for Inborn genetic diseases. Last evaluated: 2015-09-08. Review status: criteria provided, single submitter. Criteria: Ambry Variant Classification Scheme 2023. Collection method: clinical testing. Allele origin: germline.

Breakthrough Genomics
Classification: Benign. Review status: criteria provided, single submitter. Criteria: ACMG Guidelines, 2015. Collection method: not provided. Allele origin: germline. Inheritance: X-linked inheritance. Affected: yes.

PreventionGenetics, part of Exact Sciences
Classification: Benign for FMR1-related condition. Last evaluated: 2019-05-08. Review status: no assertion criteria provided. Collection method: clinical testing. Allele origin: germline. Not counted in ClinVar's aggregate classification.
Comment: This variant is classified as benign based on ACMG/AMP sequence variant interpretation guidelines (Richards et al. 2015 PMID: 25741868, with internal and published modifications).

NM_002024.6(FMR1):c.18G>T (p.Val6=)

Genes: FMR1 (fragile X messenger ribonucleoprotein 1; plus strand), LOC107032825 (origin of replication in 5' region of FMR1; plus strand). Cytogenetic location: Xq27.3.
Variant type: single nucleotide variant.
Coding change: c.18G>T on transcript NM_002024.6 (MANE Select); coding-DNA position 18, G replaced by T.
Protein change: p.Val6=; no amino-acid change (valine 6 retained).
Molecular consequence: synonymous variant. On other transcripts: non-coding transcript variant (2).
Genome position (GRCh38, 1-based): chrX:147,912,197, G>T. VCF-style: chrX-147912197-G-T. GRCh37 (hg19) VCF-style: chrX-146993715-G-T.
Other names: p.Val6=; c.18G>T, p.Val6= (NM_001185075.2, NM_001185076.2, NM_001185081.2 and 1 more transcripts).
Identifiers: ClinVar variation 587984 (VCV000587984.14), dbSNP rs111485627, ClinGen allele CA10536058.